The following is an entry in ClinVar:

ClinVar aggregate classification (germline): Uncertain significance (1 of 4 stars; one submission).

gnomAD v4.1: 16 of 1,613,460 alleles (0.00099%); highest among the groups gnomAD compares: Non-Finnish European, 0.0014%; no homozygotes.

Submission:

Labcorp Genetics (formerly Invitae), Labcorp
Classification: Uncertain significance. Last evaluated: 2022-10-14. Review status: criteria provided, single submitter. Criteria: Invitae Variant Classification Sherloc (09022015). Collection method: clinical testing. Allele origin: germline.
Comment: This sequence change replaces proline, which is neutral and non-polar, with glutamine, which is neutral and polar, at codon 8 of the NBAS protein (p.Pro8Gln). This variant is present in population databases (no rsID available, gnomAD 0.002%). This variant has not been reported in the literature in individuals affected with NBAS-related conditions. Advanced modeling of protein sequence and biophysical properties (such as structural, functional, and spatial information, amino acid conservation, physicochemical variation, residue mobility, and thermodynamic stability) performed at Invitae indicates that this missense variant is not expected to disrupt NBAS protein function. In summary, the available evidence is currently insufficient to determine the role of this variant in disease. Therefore, it has been classified as a Variant of Uncertain Significance.

NM_015909.4(NBAS):c.23C>A (p.Pro8Gln)

Genes: NBAS (NBAS subunit of NRZ tethering complex; minus strand), LOC129933155 (ATAC-STARR-seq lymphoblastoid active region 15346; plus strand). Cytogenetic location: 2p24.3.
Variant type: single nucleotide variant.
Coding change: c.23C>A on transcript NM_015909.4 (MANE Select); coding-DNA position 23, C replaced by A.
Protein change: p.Pro8Gln; replaces proline 8 with glutamine.
Molecular consequence: missense variant. On other transcripts: non-coding transcript variant (1).
Genome position (GRCh38, 1-based): chr2:15,561,282, G>T on the plus strand (C>A on the coding strand, the complement: NBAS is on the minus strand). VCF-style: chr2-15561282-G-T. GRCh37 (hg19) VCF-style: chr2-15701406-G-T.
Other names: short protein forms P8Q.
Identifiers: ClinVar variation 2420077 (VCV002420077.4), dbSNP rs560008282, ClinGen allele CA42663411.